The following is an entry in ClinVar:

NM_001386298.1(CIC):c.7186+3G>T

Gene: CIC (capicua transcriptional repressor; plus strand). Cytogenetic location: 19q13.2.
Variant type: single nucleotide variant.
Coding change: c.7186+3G>T on transcript NM_001386298.1 (MANE Select); 3 bases into the intron after coding-DNA position 7186, G replaced by T.
Molecular consequence: intron variant.
Genome position (GRCh38, 1-based): chr19:42,294,738, G>T. VCF-style: chr19-42294738-G-T. GRCh37 (hg19) VCF-style: chr19-42798890-G-T.
Other names: c.7186+3G>T (NM_001304815.2); c.7183+3G>T (NM_001379482.1, NM_001379480.1); c.4459+3G>T (NM_015125.5); c.4453+3G>T (NM_001379484.1); c.4450+3G>T (NM_001379485.1).
Identifiers: ClinVar variation 2629860 (VCV002629860.1), dbSNP rs2514097105, ClinGen allele CA2695198202.
Genomic context (GRCh38, chr19:42,294,738, plus strand): 5'-GACCAGCGCCGGGCCCTGGTCATGCAGCTCTTTCAGGACCATGGCTTCTTCCCGTCAGGT[G>T]AGCCTGTCTCGGAGTCTTGGGGTCACTCGGGTGGGACTTATCTGTACATCTCATCCTGTG-3'

ClinVar aggregate classification (germline): Uncertain significance (1 of 4 stars; one submission).

Conditions:
CIC-related disorder. Also called: CIC-related condition.

Submission:

PreventionGenetics, part of Exact Sciences
Classification: Uncertain significance for CIC-related condition. Last evaluated: 2022-12-20. Review status: criteria provided, single submitter. Criteria: ACMG Guidelines, 2015. Collection method: clinical testing. Allele origin: germline.
Comment: The CIC c.4459+3G>T variant is predicted to interfere with splicing. To our knowledge, this variant has not been reported in the literature or in a large population database, indicating this variant is rare. At this time, the clinical significance of this variant is uncertain due to the absence of conclusive functional and genetic evidence.